The following is an entry in ClinVar:

NM_004168.4(SDHA):c.1199T>A (p.Ile400Asn)

Gene: SDHA (succinate dehydrogenase complex flavoprotein subunit A; plus strand). Cytogenetic location: 5p15.33.
Variant type: single nucleotide variant.
Coding change: c.1199T>A on transcript NM_004168.4 (MANE Select); coding-DNA position 1199, T replaced by A.
Protein change: p.Ile400Asn; replaces isoleucine 400 with asparagine.
Molecular consequence: missense variant.
Genome position (GRCh38, 1-based): chr5:235,278, T>A. VCF-style: chr5-235278-T-A. GRCh37 (hg19) VCF-style: chr5-235393-T-A.
Other names: c.1055T>A, p.Ile352Asn (NM_001294332.2); c.1199T>A, p.Ile400Asn (NM_001330758.2); short protein forms I400N, I352N.
Identifiers: ClinVar variation 234151 (VCV000234151.18), dbSNP rs876660886, ClinGen allele CA10578629.

ClinVar aggregate classification (germline): Uncertain significance. Review status: criteria provided, multiple submitters, no conflicts (2 of 4 stars). 4 submissions from 4 submitters: Uncertain significance (4). Last evaluated 2025-03-09.

Conditions:
Mitochondrial complex II deficiency, nuclear type 1. Also called: SUCCINATE CoQ REDUCTASE DEFICIENCY. Identifiers: Orphanet 3208, MedGen C5700310, MONDO:0100294, OMIM 252011.
Pheochromocytoma/paraganglioma syndrome 5. Also called: Paragangliomas 5; SDHA-Related Hereditary Paraganglioma-Pheochromocytoma Syndrome. Identifiers: Orphanet 29072, MedGen C3279992, MONDO:0013602, OMIM 614165.
Hereditary cancer-predisposing syndrome. Also called: Hereditary Cancer Syndrome; Hereditary neoplastic syndrome; Neoplastic Syndromes, Hereditary; Tumor predisposition. Identifiers: Orphanet 140162, MedGen C0027672, MeSH D009386, MONDO:0015356.
Dilated cardiomyopathy 1GG (CMD1GG). Identifiers: Orphanet 154, MedGen C3150898, MONDO:0013339, OMIM 613642.

Allele frequency attached by ClinVar (database versions not stated): gnomAD exomes below 0.00001.
gnomAD v4.1: 1 of 1,614,080 alleles (0.000062%); highest among the groups gnomAD compares: Non-Finnish European, 0.000085%; no homozygotes.

Submissions (4):

Labcorp Genetics (formerly Invitae), Labcorp
Classification: Uncertain significance for Pheochromocytoma/paraganglioma syndrome 5; Mitochondrial complex II deficiency, nuclear type 1. Last evaluated: 2025-03-09. Review status: criteria provided, single submitter. Criteria: Invitae Variant Classification Sherloc (09022015). Collection method: clinical testing. Allele origin: germline.
Comment: This sequence change replaces isoleucine, which is neutral and non-polar, with asparagine, which is neutral and polar, at codon 400 of the SDHA protein (p.Ile400Asn). This variant is not present in population databases (gnomAD no frequency). This variant has not been reported in the literature in individuals affected with SDHA-related conditions. ClinVar contains an entry for this variant (Variation ID: 234151). Invitae Evidence Modeling of protein sequence and biophysical properties (such as structural, functional, and spatial information, amino acid conservation, physicochemical variation, residue mobility, and thermodynamic stability) has been performed for this missense variant. However, the output from this modeling did not meet the statistical confidence thresholds required to predict the impact of this variant on SDHA protein function. In summary, the available evidence is currently insufficient to determine the role of this variant in disease. Therefore, it has been classified as a Variant of Uncertain Significance.

Ambry Genetics
Classification: Uncertain significance for Hereditary cancer-predisposing syndrome. Last evaluated: 2025-01-14. Review status: criteria provided, single submitter. Criteria: Ambry Variant Classification Scheme 2023. Collection method: clinical testing. Allele origin: germline.
Comment: The p.I400N variant (also known as c.1199T>A), located in coding exon 9 of the SDHA gene, results from a T to A substitution at nucleotide position 1199. The isoleucine at codon 400 is replaced by asparagine, an amino acid with dissimilar properties. This amino acid position is highly conserved in available vertebrate species. In addition, the in silico prediction for this alteration is inconclusive. Based on the available evidence, the clinical significance of this variant remains unclear.

Baylor Genetics
Classification: Uncertain significance for Dilated cardiomyopathy 1GG. Last evaluated: 2024-03-20. Review status: criteria provided, single submitter. Criteria: ACMG Guidelines, 2015. Collection method: clinical testing. Allele origin: unknown.

Quest Diagnostics Nichols Institute San Juan Capistrano
Classification: Uncertain significance. Last evaluated: 2024-03-14. Review status: criteria provided, single submitter. Criteria: Quest Diagnostics criteria. Collection method: clinical testing. Allele origin: unknown.
Comment: The SDHA c.1199T>A (p.Ile400Asn) variant has not been reported in individuals with SDHA-related conditions in the published literature. It also has not been reported in large, multi-ethnic general populations (Genome Aggregation Database). Analysis of this variant using bioinformatics tools for the prediction of the effect of amino acid changes on protein structure and function yielded predictions that this variant is damaging. Based on the available information, we are unable to determine the clinical significance of this variant.